The following is an entry in ClinVar:

NM_001378454.1(ALMS1):c.7377C>T (p.Ser2459=)

Gene: ALMS1 (ALMS1 centrosome and basal body associated protein; plus strand). Cytogenetic location: 2p13.1.
Variant type: single nucleotide variant.
Coding change: c.7377C>T on transcript NM_001378454.1 (MANE Select); coding-DNA position 7377, C replaced by T.
Protein change: p.Ser2459=; no amino-acid change (serine 2459 retained).
Molecular consequence: synonymous variant.
Genome position (GRCh38, 1-based): chr2:73,453,904, C>T. VCF-style: chr2-73453904-C-T. GRCh37 (hg19) VCF-style: chr2-73681031-C-T.
Other names: c.7380C>T, p.Ser2460= (NM_015120.4).
Identifiers: ClinVar variation 509145 (VCV000509145.6), dbSNP rs867561704, ClinGen allele CA427023734.

ClinVar aggregate classification (germline): Likely benign. Review status: criteria provided, multiple submitters, no conflicts (2 of 4 stars). 3 submissions from 3 submitters: Likely benign (3). Last evaluated 2025-10-08.

Conditions:
Cardiovascular phenotype. Identifiers: MedGen CN230736.
Alstrom syndrome (ALMS). Identifiers: Orphanet 64, MedGen C0268425, MONDO:0008763, OMIM 203800.

Allele frequency attached by ClinVar (database versions not stated): TOPMed below 0.00001.
gnomAD v4.1: 6 of 1,613,994 alleles (0.00037%); highest among the groups gnomAD compares: Non-Finnish European, 0.00042%; no homozygotes.

Submissions (3):

Labcorp Genetics (formerly Invitae), Labcorp
Classification: Likely benign for Alstrom syndrome. Last evaluated: 2025-10-08. Review status: criteria provided, single submitter. Criteria: Invitae Variant Classification Sherloc (09022015). Collection method: clinical testing. Allele origin: germline.

Ambry Genetics
Classification: Likely benign for Cardiovascular phenotype. Last evaluated: 2024-07-29. Review status: criteria provided, single submitter. Criteria: Ambry Variant Classification Scheme 2023. Collection method: clinical testing. Allele origin: germline.

GeneDx
Classification: Likely benign. Last evaluated: 2017-04-25. Review status: criteria provided, single submitter. Criteria: GeneDx Variant Classification (06012015). Collection method: clinical testing. Allele origin: germline. Affected: yes.
Comment: This variant is considered likely benign or benign based on one or more of the following criteria: it is a conservative change, it occurs at a poorly conserved position in the protein, it is predicted to be benign by multiple in silico algorithms, and/or has population frequency not consistent with disease.